The following is an entry in ClinVar:

NM_001007026.1(ATN1):c.1462CAG[(6_35)] (p.Gln488[(6-35)])

Genes: ATN1 (atrophin 1; plus strand), LOC109461484 (atrophin 1 repeat instability region; plus strand). Cytogenetic location: 12p13.31.
Variant type: Microsatellite.
Identifiers: ClinVar variation 38904 (VCV000038904.3).

ClinVar aggregate classification (germline): Benign (0 of 4 stars; one submission).

Conditions:
Dentatorubral-pallidoluysian atrophy (DRPLA). Also called: ATAXIA, CHOREA, SEIZURES, AND DEMENTIA; MYOCLONIC EPILEPSY WITH CHOREOATHETOSIS; HAW RIVER SYNDROME; Naito Oyanagi disease. Identifiers: Orphanet 101, MedGen C0751781, MONDO:0007435, OMIM 125370.

Submission:

GeneReviews
Classification: Benign for DRPLA. Last evaluated: 2010-06-01. Review status: no assertion criteria provided. Collection method: curation. Allele origin: unknown.
ClinVar note: Converted during submission from benign to Benign.